The following is an entry in ClinVar:

NM_004706.4(ARHGEF1):c.266C>T (p.Pro89Leu)

Gene: ARHGEF1 (Rho guanine nucleotide exchange factor 1; plus strand). Cytogenetic location: 19q13.2.
Variant type: single nucleotide variant.
Coding change: c.266C>T on transcript NM_004706.4 (MANE Select); coding-DNA position 266, C replaced by T.
Protein change: p.Pro89Leu; replaces proline 89 with leucine.
Molecular consequence: missense variant. On other transcripts: non-coding transcript variant (2), intron variant (3).
Genome position (GRCh38, 1-based): chr19:41,892,065, C>T. VCF-style: chr19-41892065-C-T. GRCh37 (hg19) VCF-style: chr19-42396136-C-T.
Other names: c.266C>T, p.Pro89Leu (NM_001396000.1, NM_001396003.1, NM_001396006.1); c.311C>T, p.Pro104Leu (NM_199002.2); c.226-266C>T (NM_001396002.1, NM_198977.2, NM_001396004.1); short protein forms P89L, P104L.
Identifiers: ClinVar variation 1943451 (VCV001943451.5), dbSNP rs2513781017, ClinGen allele CA406046568.

ClinVar aggregate classification (germline): Uncertain significance (1 of 4 stars; one submission).

Submission:

Labcorp Genetics (formerly Invitae), Labcorp
Classification: Uncertain significance. Last evaluated: 2024-04-29. Review status: criteria provided, single submitter. Criteria: Invitae Variant Classification Sherloc (09022015). Collection method: clinical testing. Allele origin: germline.
Comment: This sequence change replaces proline, which is neutral and non-polar, with leucine, which is neutral and non-polar, at codon 104 of the ARHGEF1 protein (p.Pro104Leu). This variant is not present in population databases (gnomAD no frequency). This variant has not been reported in the literature in individuals affected with ARHGEF1-related conditions. ClinVar contains an entry for this variant (Variation ID: 1943451). An algorithm developed to predict the effect of missense changes on protein structure and function (PolyPhen-2) suggests that this variant is likely to be disruptive. In summary, the available evidence is currently insufficient to determine the role of this variant in disease. Therefore, it has been classified as a Variant of Uncertain Significance.